The following is an entry in ClinVar:

ClinVar aggregate classification (germline): Uncertain significance (1 of 4 stars; one submission).

Conditions:
Deafness-lymphedema-leukemia syndrome. Also called: Lymphedema, primary, with myelodysplasia; Emberger syndrome. Identifiers: Orphanet 3226, MedGen C3279664, MONDO:0013540, OMIM 614038.
Monocytopenia with susceptibility to infections. Also called: IMMUNODEFICIENCY 21; MONOCYTOPENIA AND MYCOBACTERIAL INFECTION SYNDROME; MONOCYTOPENIA WITH SUSCEPTIBILITY TO MYCOBACTERIAL, FUNGAL, AND PAPILLOMAVIRUS INFECTIONS AND MYELODYSPLASIA; COMBINED IMMUNODEFICIENCY WITH SUSCEPTIBILITY TO MYCOBACTERIAL, VIRAL, AND FUNGAL INFECTIONS; Dendritic cell, monocyte, B lymphocyte, and natural killer lymphocyte deficiency; GATA2 DEFICIENCY. Identifiers: Orphanet 228423, MedGen C3280030, MONDO:0013607, OMIM 614172.

Submission:

Labcorp Genetics (formerly Invitae), Labcorp
Classification: Uncertain significance for Monocytopenia with susceptibility to infections; Deafness-lymphedema-leukemia syndrome. Last evaluated: 2022-01-21. Review status: criteria provided, single submitter. Criteria: Invitae Variant Classification Sherloc (09022015). Collection method: clinical testing. Allele origin: germline.
Comment: In summary, the available evidence is currently insufficient to determine the role of this variant in disease. Therefore, it has been classified as a Variant of Uncertain Significance. Algorithms developed to predict the effect of missense changes on protein structure and function (SIFT, PolyPhen-2, Align-GVGD) all suggest that this variant is likely to be tolerated. This variant has not been reported in the literature in individuals affected with GATA2-related conditions. This variant is not present in population databases (gnomAD no frequency). This sequence change replaces proline, which is neutral and non-polar, with arginine, which is basic and polar, at codon 444 of the GATA2 protein (p.Pro444Arg).

NM_032638.5(GATA2):c.1331C>G (p.Pro444Arg)

Gene: GATA2 (GATA binding protein 2; minus strand). Cytogenetic location: 3q21.3.
Variant type: single nucleotide variant.
Coding change: c.1331C>G on transcript NM_032638.5 (MANE Select); coding-DNA position 1331, C replaced by G.
Protein change: p.Pro444Arg; replaces proline 444 with arginine.
Molecular consequence: missense variant.
Genome position (GRCh38, 1-based): chr3:128,481,131, G>C on the plus strand (C>G on the coding strand, the complement: GATA2 is on the minus strand). VCF-style: chr3-128481131-G-C. GRCh37 (hg19) VCF-style: chr3-128199974-G-C.
Other names: c.1331C>G, p.Pro444Arg (NM_001145661.2); c.1289C>G, p.Pro430Arg (NM_001145662.1); short protein forms P430R, P444R.
Identifiers: ClinVar variation 2088746 (VCV002088746.4), dbSNP rs781161922, ClinGen allele CA354412733.
Genomic context (GRCh38, chr3:128,481,131, plus strand): 5'-CTGGAGGAGGGGTGGATGGGCGTCGGAGTGGGCAGGATGTGTCCGGAGTGGCTGAAGGGC[G>C]GGAGGTGGCCCACAGGTGCCATGTGTCCAGCCAGGGCAGCTGCACTGAAGGGGGATGACT-3'
Protein context (NP_116027.2, residues 434-454): AGHMAPVGHL[Pro444Arg]PFSHSGHILP